The following is an entry in ClinVar:

ClinVar aggregate classification (germline): Likely benign. Review status: criteria provided, multiple submitters, no conflicts (2 of 4 stars). 3 submissions from 3 submitters: Likely benign (3). Last evaluated 2026-01-19.

Conditions:
Osteogenesis imperfecta type 8 (OI8). Identifiers: MedGen C1970458, MONDO:0012581, OMIM 610915.

Allele frequency attached by ClinVar (database versions not stated): gnomAD 0.00010 and 0.00017; gnomAD exomes 0.00015 and 0.00036; TOPMed 0.00031; ExAC 0.00041; 1000 Genomes Project 30x 0.00109; 1000 Genomes Project 0.00120.
gnomAD v4.1: 269 of 1,614,122 alleles (0.017%); highest among the groups gnomAD compares: East Asian, 0.42%; 5 homozygotes.

Submissions (3):

Labcorp Genetics (formerly Invitae), Labcorp
Classification: Likely benign for Osteogenesis imperfecta type 8. Last evaluated: 2026-01-19. Review status: criteria provided, single submitter. Criteria: Invitae Variant Classification Sherloc (09022015). Collection method: clinical testing. Allele origin: germline.

Genome-Nilou Lab
Classification: Likely benign for Osteogenesis imperfecta type 8. Last evaluated: 2023-04-11. Review status: criteria provided, single submitter. Criteria: ACMG Guidelines, 2015. Collection method: clinical testing. Allele origin: germline. Affected: no.

GeneDx
Classification: Likely benign. Last evaluated: 2020-01-15. Review status: criteria provided, single submitter. Criteria: GeneDx Variant Classification Process June 2021. Collection method: clinical testing. Allele origin: germline. Affected: yes.
Comment: This variant is associated with the following publications: (PMID: 29499418)

NM_022356.4(P3H1):c.1517C>G (p.Pro506Arg)

Gene: P3H1 (prolyl 3-hydroxylase 1; minus strand). Cytogenetic location: 1p34.2.
Variant type: single nucleotide variant.
Coding change: c.1517C>G on transcript NM_022356.4 (MANE Select); coding-DNA position 1517, C replaced by G.
Protein change: p.Pro506Arg; replaces proline 506 with arginine.
Molecular consequence: missense variant.
Genome position (GRCh38, 1-based): chr1:42,752,326, G>C on the plus strand (C>G on the coding strand, the complement: P3H1 is on the minus strand). VCF-style: chr1-42752326-G-C. GRCh37 (hg19) VCF-style: chr1-43217997-G-C.
Other names: c.1517C>G, p.Pro506Arg (NM_001146289.2, NM_001243246.2); short protein forms P506R.
Identifiers: ClinVar variation 772424 (VCV000772424.12), dbSNP rs3738501, ClinGen allele CA801811.